The following is an entry in ClinVar:

NM_015374.3(SUN2):c.1524G>A (p.Ala508=)

Genes: GTPBP1 (GTP binding protein 1; plus strand), SUN2 (Sad1 and UNC84 domain containing 2; minus strand). Cytogenetic location: 22q13.1.
Variant type: single nucleotide variant.
Coding change: c.1524G>A on transcript NM_015374.3 (MANE Select); coding-DNA position 1524, G replaced by A.
Protein change: p.Ala508=; no amino-acid change (alanine 508 retained).
Molecular consequence: synonymous variant.
Genome position (GRCh38, 1-based): chr22:38,739,776, C>T on the plus strand (G>A on the coding strand, the complement: SUN2 is on the minus strand). VCF-style: chr22-38739776-C-T. GRCh37 (hg19) VCF-style: chr22-39135781-C-T.
Other names: p.Ala508=; c.1587G>A, p.Ala529= (NM_001199579.2); c.1524G>A, p.Ala508= (NM_001199580.2).
Identifiers: ClinVar variation 1170623 (VCV001170623.11), dbSNP rs146770286, ClinGen allele CA10235528.
Genomic context (GRCh38, chr22:38,739,776, plus strand): 5'-CCTCACCTCCTCTGTCACTCCAATCACACCTTCTTTCTGCAGCGTCAGGCTCAGGGAGGC[C>T]GCGGCTTCCCTGGCCGACTTGCCCTGCATCTCTGCCACATGGGTGAGGATCTTGCTCTCC-3'
Protein context (NP_056189.1, residues 498-518): EMQGKSAREA[Ala508=]ASLSLTLQKE

ClinVar aggregate classification (germline): Benign/Likely benign. Review status: criteria provided, multiple submitters, no conflicts (2 of 4 stars). 2 submissions from 2 submitters: Benign (1); Likely benign (1). Last evaluated 2025-11-11.

Conditions:
Emery-Dreifuss muscular dystrophy (EDMD). Also called: Scapuloperoneal syndrome, X-linked (formerly); Humeroperoneal neuromuscular disease, (formerly). Identifiers: Orphanet 261, MedGen C0410189, MONDO:0016830.

Allele frequency attached by ClinVar (database versions not stated): gnomAD exomes 0.00011; 1000 Genomes Project 0.00040; 1000 Genomes Project 30x 0.00047; TOPMed 0.00122; gnomAD 0.00127 and 0.00142; ESP Exome Variant Server 0.00161.
gnomAD v4.1: 358 of 1,613,648 alleles (0.022%); highest among the groups gnomAD compares: African/African-American, 0.41%; no homozygotes.

Submissions (2):

Labcorp Genetics (formerly Invitae), Labcorp
Classification: Benign for Emery-Dreifuss muscular dystrophy. Last evaluated: 2025-11-11. Review status: criteria provided, single submitter. Criteria: Invitae Variant Classification Sherloc (09022015). Collection method: clinical testing. Allele origin: germline.

Mayo Clinic Laboratories, Mayo Clinic
Classification: Likely benign. Last evaluated: 2025-01-21. Review status: criteria provided, single submitter. Criteria: ACMG Guidelines, 2015. Collection method: clinical testing. Allele origin: germline. Observed: 1 variant allele.
Comment: BP4, BP7